The following is an entry in ClinVar:

ClinVar aggregate classification (germline): Uncertain significance (1 of 4 stars; one submission).

Conditions:
Neuronal ceroid lipofuscinosis. Also called: Neuronal Ceroid Lipofuscinoses. Identifiers: Orphanet 216, Orphanet 79263, MedGen C0027877, MONDO:0016295. Disease mechanism: loss of function.

Submission:

Labcorp Genetics (formerly Invitae), Labcorp
Classification: Uncertain significance for Neuronal ceroid lipofuscinosis. Last evaluated: 2019-04-11. Review status: criteria provided, single submitter. Criteria: Invitae Variant Classification Sherloc (09022015). Collection method: clinical testing. Allele origin: germline.
Comment: This sequence change replaces tryptophan with glycine at codon 184 of the CLN8 protein (p.Trp184Gly). The tryptophan residue is highly conserved and there is a large physicochemical difference between tryptophan and glycine. This variant is not present in population databases (ExAC no frequency). This variant has not been reported in the literature in individuals with CLN8-related conditions. Algorithms developed to predict the effect of missense changes on protein structure and function are either unavailable or do not agree on the potential impact of this missense change (SIFT: "Deleterious"; PolyPhen-2: "Benign"; Align-GVGD: "Class C0"). In summary, the available evidence is currently insufficient to determine the role of this variant in disease. Therefore, it has been classified as a Variant of Uncertain Significance.

NM_018941.4(CLN8):c.550T>G (p.Trp184Gly)

Gene: CLN8 (CLN8 transmembrane ER and ERGIC protein; plus strand). Cytogenetic location: 8p23.3.
Variant type: single nucleotide variant.
Coding change: c.550T>G on transcript NM_018941.4 (MANE Select); coding-DNA position 550, T replaced by G.
Protein change: p.Trp184Gly; replaces tryptophan 184 with glycine.
Molecular consequence: missense variant.
Genome position (GRCh38, 1-based): chr8:1,780,256, T>G. VCF-style: chr8-1780256-T-G. GRCh37 (hg19) VCF-style: chr8-1728422-T-G.
Other names: short protein forms W184G.
Identifiers: ClinVar variation 851320 (VCV000851320.7), dbSNP rs1801670539, ClinGen allele CA369953812.